The following is an entry in ClinVar:

NM_001943.5(DSG2):c.1046A>G (p.Asp349Gly)

Gene: DSG2 (desmoglein 2; plus strand). Cytogenetic location: 18q12.1.
Variant type: single nucleotide variant.
Coding change: c.1046A>G on transcript NM_001943.5 (MANE Select); coding-DNA position 1046, A replaced by G.
Protein change: p.Asp349Gly; replaces aspartic acid 349 with glycine.
Molecular consequence: missense variant.
Genome position (GRCh38, 1-based): chr18:31,531,018, A>G. VCF-style: chr18-31531018-A-G. GRCh37 (hg19) VCF-style: chr18-29110981-A-G.
Other names: short protein forms D349G.
Identifiers: ClinVar variation 4531013 (VCV004531013.1).
Genomic context (GRCh38, chr18:31,531,018, plus strand): 5'-AAAGAATTCCCTTTGGTTTTCCCTTTCAGGAAGTAGATTATGAAGAAATGAAGAATCTTG[A>G]CTTCAGTGTTATTGTCGCTAATAAAGCAGCTTTTCACAAGTCGATTAGGAGTAAATACAA-3'
Protein context (NP_001934.2, residues 339-359): EVDYEEMKNL[Asp349Gly]FSVIVANKAA

ClinVar aggregate classification (germline): Uncertain significance (1 of 4 stars; one submission).

Submission:

GeneDx
Classification: Uncertain significance. Last evaluated: 2025-05-20. Review status: criteria provided, single submitter. Criteria: GeneDx Variant Classification Process June 2021. Collection method: clinical testing. Allele origin: germline. Affected: yes.
Comment: Not observed at significant frequency in large population cohorts (gnomAD); In silico analysis supports that this missense variant has a deleterious effect on protein structure/function; Has not been previously published as pathogenic or benign to our knowledge